The following is an entry in ClinVar:

ClinVar aggregate classification (germline): Uncertain significance (1 of 4 stars; one submission).

Submission:

Labcorp Genetics (formerly Invitae), Labcorp
Classification: Uncertain significance. Last evaluated: 2024-04-22. Review status: criteria provided, single submitter. Criteria: Invitae Variant Classification Sherloc (09022015). Collection method: clinical testing. Allele origin: germline.
Comment: This sequence change replaces aspartic acid, which is acidic and polar, with glutamic acid, which is acidic and polar, at codon 1639 of the C3 protein (p.Asp1639Glu). This variant is not present in population databases (gnomAD no frequency). This variant has not been reported in the literature in individuals affected with C3-related conditions. Advanced modeling of protein sequence and biophysical properties (such as structural, functional, and spatial information, amino acid conservation, physicochemical variation, residue mobility, and thermodynamic stability) performed at Invitae indicates that this missense variant is not expected to disrupt C3 protein function with a negative predictive value of 80%. In summary, the available evidence is currently insufficient to determine the role of this variant in disease. Therefore, it has been classified as a Variant of Uncertain Significance.

NM_000064.4(C3):c.4917C>G (p.Asp1639Glu)

Gene: C3 (complement C3; minus strand). Cytogenetic location: 19p13.3.
Variant type: single nucleotide variant.
Coding change: c.4917C>G on transcript NM_000064.4 (MANE Select); coding-DNA position 4917, C replaced by G.
Protein change: p.Asp1639Glu; replaces aspartic acid 1639 with glutamic acid.
Molecular consequence: missense variant.
Genome position (GRCh38, 1-based): chr19:6,677,957, G>C on the plus strand (C>G on the coding strand, the complement: C3 is on the minus strand). VCF-style: chr19-6677957-G-C. GRCh37 (hg19) VCF-style: chr19-6677968-G-C.
Other names: short protein forms D1639E.
Identifiers: ClinVar variation 3650572 (VCV003650572.2).